The following is an entry in ClinVar:

ClinVar aggregate classification (germline): Conflicting classifications of pathogenicity. Review status: criteria provided, conflicting classifications (1 of 4 stars). 2 submissions from 2 submitters: Uncertain significance (1); Likely benign (1). Last evaluated 2023-03-23.

Conditions:
Hereditary cancer-predisposing syndrome. Also called: Neoplastic Syndromes, Hereditary; Tumor predisposition; Hereditary Cancer Syndrome; Hereditary neoplastic syndrome. Identifiers: Orphanet 140162, MedGen C0027672, MeSH D009386, MONDO:0015356.

Submissions (2):

University of Washington Department of Laboratory Medicine, University of Washington
Classification: Likely benign for Hereditary cancer-predisposing syndrome. Last evaluated: 2023-03-23. Review status: criteria provided, single submitter. Criteria: Dines et al. (Genet Med. 2020). Collection method: curation. Allele origin: germline.
Comment: Missense variant in a coldspot region where missense variants are very unlikely to be pathogenic (PMID:31911673).

BRCA1 coldspot (exon 11 using historical exon numbering). Reclassification based on statistical prior probability

Ambry Genetics
Classification: Uncertain significance for Hereditary cancer-predisposing syndrome. Last evaluated: 2020-09-24. Review status: criteria provided, single submitter. Criteria: Ambry Variant Classification Scheme 2023. Collection method: clinical testing. Allele origin: germline.
Comment: The p.S1164T variant (also known as c.3491G>C), located in coding exon 9 of the BRCA1 gene, results from a G to C substitution at nucleotide position 3491. The serine at codon 1164 is replaced by threonine, an amino acid with similar properties. This amino acid position is not well conserved in available vertebrate species. In addition, the in silico prediction for this alteration is inconclusive. Since supporting evidence is limited at this time, the clinical significance of this alteration remains unclear.

NM_007294.4(BRCA1):c.3491G>C (p.Ser1164Thr)

Genes: BRCA1 (BRCA1 DNA repair associated; minus strand), LOC126862571 (BRD4-independent group 4 enhancer GRCh37_chr17:41243136-41244335; plus strand). Cytogenetic location: 17q21.31.
Variant type: single nucleotide variant.
Coding change: c.3491G>C on transcript NM_007294.4 (MANE Select); coding-DNA position 3491, G replaced by C.
Protein change: p.Ser1164Thr; replaces serine 1164 with threonine.
Molecular consequence: missense variant. On other transcripts: intron variant (135).
Genome position (GRCh38, 1-based): chr17:43,092,040, C>G on the plus strand (G>C on the coding strand, the complement: BRCA1 is on the minus strand). VCF-style: chr17-43092040-C-G. GRCh37 (hg19) VCF-style: chr17-41244057-C-G.
Other names: c.3491G>C, p.Ser1164Thr (NM_001407598.1, NM_001407602.1, NM_001407603.1 and 30 more transcripts); c.3347G>C, p.Ser1116Thr (NM_001407838.1, NM_001407839.1, NM_001407749.1 and 20 more transcripts); c.3350G>C, p.Ser1117Thr (NM_001407752.1, NM_001407751.1, NM_001407750.1 and 29 more transcripts); c.3488G>C, p.Ser1163Thr (NM_001407610.1, NM_001407611.1, NM_001407612.1 and 22 more transcripts); c.3278G>C, p.Ser1093Thr (NM_001407571.1, NM_001407853.1, NM_001407894.1 and 9 more transcripts); c.3482G>C, p.Ser1161Thr (NM_001407646.1, NM_001407647.1); c.3368G>C, p.Ser1123Thr (NM_001407648.1, NM_001407664.1, NM_001407665.1 and 19 more transcripts); c.3365G>C, p.Ser1122Thr (NM_001407649.1, NM_001407670.1, NM_001407671.1 and 11 more transcripts); and 41 more; short protein forms S1075T, S1117T, S1161T, S1163T, S868T, S1116T, S1122T, S1138T.
Identifiers: ClinVar variation 1731941 (VCV001731941.4), dbSNP rs397509075, ClinGen allele CA10594994.